The following continues an entry in ClinVar:

NM_000341.4(SLC3A1):c.1400T>C (p.Met467Thr)

Gene: SLC3A1. ClinVar aggregate classification (germline): Pathogenic/Likely pathogenic. Pathogenic (25); Likely pathogenic (5).

Submissions 21 to 34 of 36:

Molecular Biology Laboratory, Fundació Puigvert
Classification: Likely pathogenic for Cystinuria. Last evaluated: 2020-02-01. Review status: criteria provided, single submitter. Criteria: ACMG Guidelines, 2015. Collection method: research. Allele origin: germline. Affected: yes. Study: KidneyPanel_2020.

GeneDx
Classification: Pathogenic. Last evaluated: 2019-10-11. Review status: criteria provided, single submitter. Criteria: GeneDx Variant Classification Process June 2021. Collection method: clinical testing. Allele origin: germline. Affected: yes.
Comment: Reported as the most common pathogenic variant in SLC3A1, accounting for 29.3% of disease-causing alleles across multiple ethnic groups (Eggermann et al., 2012); Published functional studies demonstrate the absence of transport activity in mammalian cells transfected with the M467T variant (Bartoccioni et al., 2008); In silico analysis, which includes protein predictors and evolutionary conservation, supports a deleterious effect; This variant is associated with the following publications: (PMID: 14991253, 12234283, 10798361, 8054986, 18332091, 25296721, 9083097, 21677404, 8792820, 12820697, 10805464, 17010017, 30609409, 28812535, 15635077, 22480232, 16138908, 11748844, 28646536, 31589614, 10562926, 30069816, 33226606)

Cambridge Genomics Laboratory, East Genomic Laboratory Hub, NHS Genomic Medicine Service
Classification: Likely pathogenic for Kidney disorder. Last evaluated: 2019-06-19. Review status: criteria provided, single submitter. Criteria: ACGS Best Practice Guidelines for Variant Classification in Rare Disease 2020. Collection method: clinical testing. Allele origin: germline. Affected: yes. Observed: 1 variant allele.

Illumina Laboratory Services, Illumina
Classification: Pathogenic for Cystinuria. Last evaluated: 2018-09-05. Review status: criteria provided, single submitter. Criteria: ICSL Variant Classification Criteria 09 May 2019. Collection method: clinical testing. Allele origin: germline.
Comment: The SLC3A1 c.1400T>C (p.Met467Thr) variant is well documented as the most common pathogenic variant associated with type 1 cystinuria. The p.Met467Thr variant has been found in 25 affected homozygotes, 43 affected compound heterozygotes, 22 affected heterozygotes, and 22 unaffected individuals (Calonge et al. 1994; Gasparini et al. 1995; Bisceglia et al. 1996; Harnevik et al. 2001; Botzenhart et al. 2002; Schmidt et al. 2004; Font-Llitjos et al. 2005; Guillen et al. 2005; Skopkovâ”œÃ­ et al. 2005; Tanzer et al. 2006; Tanzer et al. 2007; Barbosa et al. 2012; Popovska-Jankovic et al. 2013; Rhodes et al. 2015). The p.Met467Thr variant was found in a heterozygous state in four of 811 controls and is reported at a frequency of 0.00454 in the European (non-Finnish) population of the Exome Aggregation Consortium. The Met467 amino acid residue is very highly conserved in all known SLC3A1 sequences. Calonge et al. (1994) performed functional studies on the p.Met467Thr variant using expression analysis in a Xenopus oocyte system, demonstrating that the variant significantly altered amino acid transport and abolished 80% of normal activity. Chillaron et al. (1997) and Bartoccioni et al. (2008) subsequently demonstrated that the p.Met467Thr variant displays a trafficking defect that maintains an intracellular location rather than being located on the cell surface. Based on the collective evidence, the p.Met467Thr variant is classified as pathogenic for cystinuria. This variant was observed by ICSL as part of a predisposition screen in an ostensibly healthy population.

Laboratory for Molecular Medicine, Mass General Brigham Personalized Medicine
Classification: Pathogenic for Cystinuria. Last evaluated: 2017-09-25. Review status: criteria provided, single submitter. Criteria: LMM Criteria. Collection method: clinical testing. Allele origin: germline. Inheritance: Autosomal recessive inheritance. Observed: 1 variant allele.
Comment: The p.Met467Thr (NM_000341.3 c.1400T>C) variant in SLC3A1 has been reported in a t least 4 homozygous and 11 compound heterozygous individuals with cystinuria ( Halbritter 2015, Tostivint 2017, Gucev 2011, and Calonge 1994), and segregated i n 3 affected siblings in 2 families (Calonge 1994). This variant has also been r eported in ClinVar (Variation ID# 18115) as pathogenic by multiple laboratories. Functional studies provide some support that this variant impacts the protein ( Chillaron 1997, Bartoccioni 2008, and Calonge 1994). This variant has been ident ified in 0.57% (58/10144) of Ashkenazi Jewish chromosomes by the Genome Aggregat ion Database (gnomAD; dbSNP rs121912691, rs121 912692), though its frequency is low enough to be consistent with a recessive ca rrier frequency. In summary, the p.Met467Thr variant is pathogenic for cystinuri a in an autosomal recessive manner based upon frequent biallelic observations in affected individuals, segregation and functional studies.

Fulgent Genetics
Classification: Pathogenic for Cystinuria. Last evaluated: 2017-05-18. Review status: criteria provided, single submitter. Criteria: ACMG Guidelines, 2015. Collection method: clinical testing. Allele origin: unknown.

Knight Diagnostic Laboratories, Oregon Health and Sciences University
Classification: Pathogenic for Cystinuria. Last evaluated: 2014-11-12. Review status: criteria provided, single submitter. Criteria: ACMG Guidelines, 2007. Collection method: clinical testing. Allele origin: germline. Inheritance: Autosomal recessive inheritance. Affected: no.

Courtagen Diagnostics Laboratory, Courtagen Life Sciences
Classification: Pathogenic for Cystinuria. Last evaluated: 2013-12-19. Review status: criteria provided, single submitter. Criteria: Courtagen Life Sciences Classifications. Collection method: clinical testing. Allele origin: germline.

Genomics England Pilot Project, Genomics England
Classification: Likely pathogenic for Cystinuria. Review status: criteria provided, single submitter. Criteria: ACGS Guidelines, 2016. Collection method: clinical testing. Allele origin: germline. Affected: yes.

Institute of Human Genetics, University Hospital of Duesseldorf
Classification: Pathogenic for Cystinuria. Review status: criteria provided, single submitter. Criteria: ACMG Guidelines, 2015. Collection method: not provided. Allele origin: germline. Inheritance: Autosomal recessive inheritance. Affected: yes.

PreventionGenetics, part of Exact Sciences
Classification: Pathogenic for SLC3A1-related condition. Last evaluated: 2024-03-22. Review status: no assertion criteria provided. Collection method: clinical testing. Allele origin: germline. Not counted in ClinVar's aggregate classification.
Comment: The SLC3A1 c.1400T>C variant is predicted to result in the amino acid substitution p.Met467Thr. This variant has been reported to be causative for cystinuria in the homozygous and compound heterozygous state in multiple unrelated individuals (Calonge et al. 1994. PubMed: 8054986; Halbritter et al. 2015. PubMed: 25296721). Functional studies demonstrate the p.Met467Thr variant results in destabilized heterodimers (Bartoccioni et al. 2008. PubMed: 18332091). Autosomal recessive and dominant inheritance of pathogenic variants in the SLC3A1 gene has been reported previously (OMIM #220100); however, heterozygous carriers of the p.Met467Arg variant have been reported as unaffected (Calonge et al. 1994. PubMed: 8054986; Gucev et al. 2011. PubMed: 21677404). This variant is reported in 0.56% of alleles in individuals of Ashkenazi Jewish descent in gnomAD. This variant is interpreted as pathogenic for autosomal recessive SLC3A1-related disorders.

Reproductive Health Research and Development, BGI Genomics
Classification: Pathogenic for Cystinuria. Last evaluated: 2020-01-06. Review status: no assertion criteria provided. Collection method: curation. Allele origin: germline. Not counted in ClinVar's aggregate classification.
Comment: NM_000341.3:c.1400T>C in the SLC3A1 gene has an allele frequency of 0.006 in Ashkenazi Jewish subpopulation in the gnomAD database. Tostivint I et al. identified this variant in at least 12 patients with cystinuria, including 2 homozygotes and 10 compound heterozygotes: c.266T>C/c.1400T>C; c.1400T>C/c.592delG; c.1400T>C/c.1354C>T; c.1400T>C/c.1500+1G>T; etc.(PMID: 28646536 ). The p.Met467Thr (NM_000341.3 c.1400T>C) variant in SLC3A1 has also been found segregating in 3 affected siblings in one family (PMID: 8054986). Functional studies have shown that this missense change affects protein stability, impairs oligomerization and reduces amino acid transport in vitro (PMID: 18332091; 9083097; 8054986). Taken together, we interprete this variant as Pathogenic/Likely pathogenic variant. ACMG/AMP Criteria applied: PS3, PM3_Strong, PP1, PP4.

OMIM
Classification: Pathogenic for CYSTINURIA. Last evaluated: 2005-01-01. Review status: no assertion criteria provided. Collection method: literature only. Allele origin: germline. Not counted in ClinVar's aggregate classification.

Clinical Genetics DNA and cytogenetics Diagnostics Lab, Erasmus MC, Erasmus Medical Center
Classification: Pathogenic. Review status: no assertion criteria provided. Collection method: clinical testing. Allele origin: germline. Affected: yes. Study: VKGL Data-share Consensus. Not counted in ClinVar's aggregate classification.